The following is an entry in ClinVar:

ClinVar aggregate classification (germline): Uncertain significance (1 of 4 stars; one submission).

Allele frequency attached by ClinVar (database versions not stated): TOPMed 0.00127; gnomAD 0.00139; ESP Exome Variant Server 0.00161; 1000 Genomes Project 30x 0.00172; 1000 Genomes Project 0.00180.
gnomAD v4.1: 3,293 of 1,612,856 alleles (0.2%); highest among the groups gnomAD compares: South Asian, 0.71%; 14 homozygotes.

Submission:

Ambry Genetics
Classification: Uncertain significance. Last evaluated: 2024-12-05. Review status: criteria provided, single submitter. Criteria: Ambry Variant Classification Scheme 2023. Collection method: clinical testing. Allele origin: germline.
Comment: The p.T727M variant (also known as c.2180C>T), located in coding exon 12 of the PKP4 gene, results from a C to T substitution at nucleotide position 2180. The threonine at codon 727 is replaced by methionine, an amino acid with similar properties. This amino acid position is conserved. In addition, the in silico prediction for this alteration is inconclusive. Since supporting evidence is limited at this time, the clinical significance of this alteration remains unclear.

NM_003628.6(PKP4):c.2180C>T (p.Thr727Met)

Genes: PKP4 (plakophilin 4; plus strand), PKP4-AS1 (PKP4 antisense RNA 1; minus strand). Cytogenetic location: 2q24.1.
Variant type: single nucleotide variant.
Coding change: c.2180C>T on transcript NM_003628.6 (MANE Select); coding-DNA position 2180, C replaced by T.
Protein change: p.Thr727Met; replaces threonine 727 with methionine.
Molecular consequence: missense variant. On other transcripts: non-coding transcript variant (1).
Genome position (GRCh38, 1-based): chr2:158,661,419, C>T. VCF-style: chr2-158661419-C-T. GRCh37 (hg19) VCF-style: chr2-159517931-C-T.
Other names: c.2180C>T, p.Thr727Met (NM_001005476.4, NM_001304971.2, NM_001377218.1 and 1 more transcripts); c.2177C>T, p.Thr726Met (NM_001304969.3, NM_001377219.1, NM_001377220.1 and 2 more transcripts); c.1151C>T, p.Thr384Met (NM_001304970.3); c.2174C>T, p.Thr725Met (NM_001377222.1, NM_001377223.1); c.2171C>T, p.Thr724Met (NM_001377224.1); short protein forms T384M, T725M, T726M, T727M, T724M.
Identifiers: ClinVar variation 2489013 (VCV002489013.3), dbSNP rs11539803, ClinGen allele CA1920905.